The following is an entry in ClinVar:

ClinVar aggregate classification (germline): Conflicting classifications of pathogenicity. Review status: criteria provided, conflicting classifications (1 of 4 stars). 4 submissions from 4 submitters: Uncertain significance (3); Likely benign (1). Last evaluated 2025-10-29.

Conditions:
Inborn genetic diseases. Identifiers: MedGen C0950123, MeSH D030342.
CHARGE syndrome (CHARGE). Also called: Hittner Hirsch Kreh syndrome; CHARGE ASSOCIATION--COLOBOMA, HEART ANOMALY, CHOANAL ATRESIA, RETARDATION, GENITAL AND EAR ANOMALIES; Coloboma, heart anomaly, choanal atresia, retardation, genital and ear anomalies; CHARGE association; Hall-Hittner syndrome. Identifiers: Orphanet 138, MedGen C0265354, MONDO:0008965.
Hypogonadotropic hypogonadism 5 with or without anosmia (KAL5). Also called: HYPOGONADOTROPIC HYPOGONADISM 5 WITH ANOSMIA; CHD7-Related GnRH Deficiency (Kallmann Syndrome 5); HYPOGONADOTROPHIC HYPOGONADISM 5 WITHOUT ANOSMIA. Identifiers: Orphanet 478, MedGen C3552553, MONDO:0012880, OMIM 612370. Disease mechanism: loss of function.

Allele frequency attached by ClinVar (database versions not stated): gnomAD exomes below 0.00001; gnomAD 0.00001; TOPMed 0.00002.
gnomAD v4.1: 5 of 1,613,910 alleles (0.00031%); highest among the groups gnomAD compares: Admixed American, 0.0067%; no homozygotes.

Submissions (4):

Ambry Genetics
Classification: Uncertain significance for Inborn genetic diseases. Last evaluated: 2025-10-29. Review status: criteria provided, single submitter. Criteria: Ambry Variant Classification Scheme 2023. Collection method: clinical testing. Allele origin: germline.
Comment: The c.938A>G (p.Y313C) alteration is located in exon 2 (coding exon 1) of the CHD7 gene. This alteration results from a A to G substitution at nucleotide position 938, causing the tyrosine (Y) at amino acid position 313 to be replaced by a cysteine (C). Based on data from gnomAD, the G allele has an overall frequency of <0.001% (1/249272) total alleles studied. The highest observed frequency was 0.003% (1/34528) of Latino alleles. Based on insufficient or conflicting evidence, the clinical significance of this alteration remains unclear.

Labcorp Genetics (formerly Invitae), Labcorp
Classification: Likely benign for CHARGE syndrome. Last evaluated: 2025-10-07. Review status: criteria provided, single submitter. Criteria: Invitae Variant Classification Sherloc (09022015). Collection method: clinical testing. Allele origin: germline.

Blueprint Genetics
Classification: Uncertain significance. Last evaluated: 2022-06-16. Review status: criteria provided, single submitter. Criteria: ACMG Guidelines, 2015. Collection method: clinical testing. Allele origin: germline.

Fulgent Genetics
Classification: Uncertain significance for CHD7-related CHARGE syndrome; Hypogonadotropic hypogonadism 5 with or without anosmia. Last evaluated: 2022-05-25. Review status: criteria provided, single submitter. Criteria: ACMG Guidelines, 2015. Collection method: clinical testing. Allele origin: unknown.

NM_017780.4(CHD7):c.938A>G (p.Tyr313Cys)

Gene: CHD7 (chromodomain helicase DNA binding protein 7; plus strand). Cytogenetic location: 8q12.2.
Variant type: single nucleotide variant.
Coding change: c.938A>G on transcript NM_017780.4 (MANE Select); coding-DNA position 938, A replaced by G.
Protein change: p.Tyr313Cys; replaces tyrosine 313 with cysteine.
Molecular consequence: missense variant.
Genome position (GRCh38, 1-based): chr8:60,742,370, A>G. VCF-style: chr8-60742370-A-G. GRCh37 (hg19) VCF-style: chr8-61654929-A-G.
Other names: c.938A>G, p.Tyr313Cys (NM_001316690.1); short protein forms Y313C.
Identifiers: ClinVar variation 1403579 (VCV001403579.12), dbSNP rs1472626804, ClinGen allele CA371300180.